The following is an entry in ClinVar:

NM_025114.4(CEP290):c.237A>G (p.Glu79=)

Gene: CEP290 (centrosomal protein 290; minus strand). Cytogenetic location: 12q21.32.
Variant type: single nucleotide variant.
Coding change: c.237A>G on transcript NM_025114.4 (MANE Select); coding-DNA position 237, A replaced by G.
Protein change: p.Glu79=; no amino-acid change (glutamic acid 79 retained).
Molecular consequence: synonymous variant.
Genome position (GRCh38, 1-based): chr12:88,139,508, T>C on the plus strand (A>G on the coding strand, the complement: CEP290 is on the minus strand). VCF-style: chr12-88139508-T-C. GRCh37 (hg19) VCF-style: chr12-88533285-T-C.
Other names: c.237A>G (NM_025114.3).
Identifiers: ClinVar variation 1657435 (VCV001657435.9), dbSNP rs1206035309, ClinGen allele CA481054789.
Genomic context (GRCh38, chr12:88,139,508, plus strand): 5'-GGAATTCATTATTTAATACCATAATAAACTTTTTCCAAGGTGCTTACCAAATTTTGCTTG[T>C]TCTTCTCCAGCTTTTTCTACTTCTTCCAAAGCCAGCTCCACTTCTTGAGCTTTCATCTAA-3'
Protein context (NP_079390.3, residues 69-89): ALEEVEKAGE[Glu79=]QAKFENQLKT

ClinVar aggregate classification (germline): Likely benign. Review status: criteria provided, multiple submitters, no conflicts (2 of 4 stars). 2 submissions from 2 submitters: Likely benign (2). Last evaluated 2026-02-17.

Conditions:
Joubert syndrome. Also called: JOUBERT-BOLTSHAUSER SYNDROME; Familial aplasia of the vermis. Identifiers: Orphanet 475, MedGen C5979921, MONDO:0018772.
Nephronophthisis. Also called: Juvenile Nephronophthisis. Identifiers: Orphanet 655, MedGen C0687120, MONDO:0019005, HP:0000090.
Meckel-Gruber syndrome. Also called: GRUBER SYNDROME; DYSENCEPHALIA SPLANCHNOCYSTICA; Dysencephalia splachnocystica. Identifiers: Orphanet 564, MedGen C0265215, MONDO:0018921.
CEP290-related disorder. Also called: CEP290-related condition; CEP290-related disorders. Identifiers: MedGen CN239314.

Allele frequency attached by ClinVar (database versions not stated): TOPMed below 0.00001; gnomAD 0.00001.

Submissions (2):

PreventionGenetics, part of Exact Sciences
Classification: Likely benign for CEP290-related condition. Last evaluated: 2026-02-17. Review status: criteria provided, single submitter. Criteria: ACMG Guidelines, 2015. Collection method: clinical testing. Allele origin: germline.
Comment: This variant is classified as likely benign based on ACMG/AMP sequence variant interpretation guidelines (Richards et al. 2015 PMID: 25741868, with internal and published modifications).

Labcorp Genetics (formerly Invitae), Labcorp
Classification: Likely benign for Joubert syndrome; Meckel-Gruber syndrome; Nephronophthisis. Last evaluated: 2023-04-08. Review status: criteria provided, single submitter. Criteria: Invitae Variant Classification Sherloc (09022015). Collection method: clinical testing. Allele origin: germline.